The following is an entry in ClinVar:

NM_002076.4(GNS):c.1555C>T (p.Arg519Cys)

Gene: GNS (glucosamine (N-acetyl)-6-sulfatase; minus strand). Cytogenetic location: 12q14.3.
Variant type: single nucleotide variant.
Coding change: c.1555C>T on transcript NM_002076.4 (MANE Select); coding-DNA position 1555, C replaced by T.
Protein change: p.Arg519Cys; replaces arginine 519 with cysteine.
Molecular consequence: missense variant.
Genome position (GRCh38, 1-based): chr12:64,720,047, G>A on the plus strand (C>T on the coding strand, the complement: GNS is on the minus strand). VCF-style: chr12-64720047-G-A. GRCh37 (hg19) VCF-style: chr12-65113827-G-A.
Other names: short protein forms R519C.
Identifiers: ClinVar variation 2199997 (VCV002199997.1), dbSNP rs904788730, ClinGen allele CA238271762.

ClinVar aggregate classification (germline): Uncertain significance (1 of 4 stars; one submission).

Conditions:
Mucopolysaccharidosis, MPS-III-D (MPS3D). Also called: N-ACETYLGLUCOSAMINE-6-SULFATASE DEFICIENCY; SANFILIPPO SYNDROME D; MPS III D; Mucopoly-saccharidosis type 3D; N-acetylglucosamine-6-sulfate sulfatase deficiency; MPS 3D. Identifiers: Orphanet 581, Orphanet 79272, MedGen C0086650, MONDO:0009658, OMIM 252940.

Allele frequency attached by ClinVar (database versions not stated): gnomAD 0.00001; gnomAD exomes 0.00001; TOPMed 0.00002.
gnomAD v4.1: 15 of 1,612,984 alleles (0.00093%); highest among the groups gnomAD compares: Non-Finnish European, 0.0011%; no homozygotes.

Submission:

Labcorp Genetics (formerly Invitae), Labcorp
Classification: Uncertain significance for Mucopolysaccharidosis, MPS-III-D. Last evaluated: 2022-05-15. Review status: criteria provided, single submitter. Criteria: Invitae Variant Classification Sherloc (09022015). Collection method: clinical testing. Allele origin: germline.
Comment: This sequence change replaces arginine, which is basic and polar, with cysteine, which is neutral and slightly polar, at codon 519 of the GNS protein (p.Arg519Cys). This variant is present in population databases (no rsID available, gnomAD 0.0009%). This variant has not been reported in the literature in individuals affected with GNS-related conditions. Algorithms developed to predict the effect of missense changes on protein structure and function are either unavailable or do not agree on the potential impact of this missense change (SIFT: "Tolerated"; PolyPhen-2: "Probably Damaging"; Align-GVGD: "Class C25"). In summary, the available evidence is currently insufficient to determine the role of this variant in disease. Therefore, it has been classified as a Variant of Uncertain Significance.